The following is an entry in ClinVar:

NM_017654.4(SAMD9):c.3592C>A (p.Gln1198Lys)

Gene: SAMD9 (sterile alpha motif domain containing 9; minus strand). Cytogenetic location: 7q21.2.
Variant type: single nucleotide variant.
Coding change: c.3592C>A on transcript NM_017654.4 (MANE Select); coding-DNA position 3592, C replaced by A.
Protein change: p.Gln1198Lys; replaces glutamine 1198 with lysine.
Molecular consequence: missense variant.
Genome position (GRCh38, 1-based): chr7:93,102,506, G>T on the plus strand (C>A on the coding strand, the complement: SAMD9 is on the minus strand). VCF-style: chr7-93102506-G-T. GRCh37 (hg19) VCF-style: chr7-92731819-G-T.
Other names: c.3592C>A, p.Gln1198Lys (NM_001193307.2); short protein forms Q1198K.
Identifiers: ClinVar variation 3949616 (VCV003949616.2).
Genomic context (GRCh38, chr7:93,102,506, plus strand): 5'-CAAAAAAAGGAATGAGCTGGAGAATTTGGATTGTGTAAAGCCCAACTTCTATCTCTCCTT[G>T]ATAACCAGCTATATTGTAAGTATCATACCGCCTTTTTGACTTCGGATACAATCTTTCCTT-3'
Protein context (NP_060124.2, residues 1188-1208): RYDTYNIAGY[Gln1198Lys]GEIEVGLYTI

ClinVar aggregate classification (germline): Uncertain significance. Review status: criteria provided, multiple submitters, no conflicts (2 of 4 stars). 2 submissions from 2 submitters: Uncertain significance (2). Last evaluated 2025-11-21.

Conditions:
Inborn genetic diseases. Identifiers: MedGen C0950123, MeSH D030342.
Monosomy 7 myelodysplasia and leukemia syndrome 2. Identifiers: MedGen C5436668, MONDO:0030801, OMIM 619041.

gnomAD v4.1: 1 of 1,613,706 alleles (0.000062%); no homozygotes.

Submissions (2):

Victorian Clinical Genetics Services, Murdoch Childrens Research Institute
Classification: Uncertain significance for Monosomy 7 myelodysplasia and leukemia syndrome 2. Last evaluated: 2025-11-21. Review status: criteria provided, single submitter. Criteria: ACMG Guidelines, 2015. Collection method: clinical testing. Allele origin: germline. Affected: yes.
Comment: This variant is classified as VUS-3B. Evidence in support of pathogenic classification: Variant is present in gnomAD <0.001 for a dominant condition (v4: 1 heterozygote(s), 0 homozygote(s)); Another missense variant comparable to the one identified in this case has limited previous evidence for pathogenicity. The p.(Gln1198His) variant has been reported in the literature in an individual with congenital bone marrow failure (PMIDs: 39475954, 37357006). Evidence in support of benign classification: Missense variant predicted to be tolerated by in silico tool(s) or not conserved in placental mammals with a minor amino acid change. Additional information: Variant is predicted to result in a missense amino acid change from Gln to Lys; This variant is heterozygous; This gene is associated with autosomal dominant disease; Alternative amino acid change(s) at the same position are present in gnomAD (highest allele count: v4: 1 heterozygote(s), 0 homozygote(s)); Previous evidence of pathogenicity for this variant is inconclusive. This variant has been classified as a VUS by a clinical laboratory in ClinVar; No published evidence of segregation with disease has been identified for this variant; No published functional evidence has been identified for this variant; Variant is not located in an established domain, motif, hotspot or informative constraint region; Gain of function is a known mechanism of disease in this gene and is associated with MIRAGE syndrome (MIM#617053) (PMID: 33237688). Monosomy 7 myelodysplasia and leukaemia syndrome 2 (MIM#619041) is the result of a somatic compensatory mechanism, reversing the germline gain of function (PMID: 34621053); The condition associated with this gene has incomplete penetrance (PMID: 34621053); Variants in this gene are known to have variable expressivity (PMID: 34621053); Inheritance information for this variant is not currently available in this individual.

Ambry Genetics
Classification: Uncertain significance for Inborn genetic diseases. Last evaluated: 2025-05-09. Review status: criteria provided, single submitter. Criteria: Ambry Variant Classification Scheme 2023. Collection method: clinical testing. Allele origin: germline.
Comment: The p.Q1198K variant (also known as c.3592C>A), located in coding exon 1 of the SAMD9 gene, results from a C to A substitution at nucleotide position 3592. The glutamine at codon 1198 is replaced by lysine, an amino acid with similar properties. This amino acid position is conserved. In addition, this alteration is predicted to be tolerated by in silico analysis. Based on the available evidence, the clinical significance of this variant remains unclear.

Literature cited by the submitters: PubMed 33237688 (cited by Victorian Clinical Genetics Services, Murdoch Childrens Research Institute); PubMed 34621053 (cited by Victorian Clinical Genetics Services, Murdoch Childrens Research Institute); PubMed 37357006 (cited by Victorian Clinical Genetics Services, Murdoch Childrens Research Institute); PubMed 39475954 (cited by Victorian Clinical Genetics Services, Murdoch Childrens Research Institute).